The following is an entry in ClinVar:

ClinVar aggregate classification (germline): Uncertain significance. Review status: criteria provided, multiple submitters, no conflicts (2 of 4 stars). 2 submissions from 2 submitters: Uncertain significance (2). Last evaluated 2026-08-23.

Conditions:
Hereditary cancer-predisposing syndrome. Also called: Tumor predisposition; Hereditary neoplastic syndrome; Neoplastic Syndromes, Hereditary; Hereditary Cancer Syndrome. Identifiers: Orphanet 140162, MedGen C0027672, MeSH D009386, MONDO:0015356.
Familial adenomatous polyposis 1 (FAP1). Also called: POLYPOSIS, ADENOMATOUS INTESTINAL; FAMILIAL ADENOMATOUS POLYPOSIS 1, ATTENUATED. Identifiers: MedGen C2713442, MONDO:0021056, OMIM 175100. Disease mechanism: loss of function.

Submissions (2):

Ambry Genetics
Classification: Uncertain significance for Hereditary cancer-predisposing syndrome. Last evaluated: 2026-08-23. Review status: criteria provided, single submitter. Criteria: Ambry Variant Classification Scheme 2023. Collection method: clinical testing. Allele origin: germline.
Comment: The p.K2189N variant (also known as c.6567A>C), located in coding exon 15 of the APC gene, results from an A to C substitution at nucleotide position 6567. The lysine at codon 2189 is replaced by asparagine, an amino acid with similar properties. This amino acid position is conserved. In addition, in silico predictors for this gene do not accurately predict pathogenicity. Based on the available evidence, the clinical significance of this variant remains unclear.

Labcorp Genetics (formerly Invitae), Labcorp
Classification: Uncertain significance for Familial adenomatous polyposis 1. Last evaluated: 2022-08-29. Review status: criteria provided, single submitter. Criteria: Invitae Variant Classification Sherloc (09022015). Collection method: clinical testing. Allele origin: germline.
Comment: In summary, the available evidence is currently insufficient to determine the role of this variant in disease. Therefore, it has been classified as a Variant of Uncertain Significance. Algorithms developed to predict the effect of missense changes on protein structure and function are either unavailable or do not agree on the potential impact of this missense change (SIFT: "Tolerated"; PolyPhen-2: "Probably Damaging"; Align-GVGD: "Class C25"). This variant has not been reported in the literature in individuals affected with APC-related conditions. This variant is not present in population databases (gnomAD no frequency). This sequence change replaces lysine, which is basic and polar, with asparagine, which is neutral and polar, at codon 2189 of the APC protein (p.Lys2189Asn).

NM_000038.6(APC):c.6567A>C (p.Lys2189Asn)

Gene: APC (APC regulator of Wnt signaling pathway; plus strand). Cytogenetic location: 5q22.2.
Variant type: single nucleotide variant.
Coding change: c.6567A>C on transcript NM_000038.6 (MANE Select); coding-DNA position 6567, A replaced by C.
Protein change: p.Lys2189Asn; replaces lysine 2189 with asparagine.
Molecular consequence: missense variant.
Genome position (GRCh38, 1-based): chr5:112,842,161, A>C. VCF-style: chr5-112842161-A-C. GRCh37 (hg19) VCF-style: chr5-112177858-A-C.
Other names: c.6567A>C, p.Lys2189Asn (NM_001127510.3, NM_001354895.2, NM_001407450.1); c.6513A>C, p.Lys2171Asn (NM_001127511.3); c.6621A>C, p.Lys2207Asn (NM_001354896.2, NM_001407447.1, NM_001407448.1 and 1 more transcripts); c.6597A>C, p.Lys2199Asn (NM_001354897.2); c.6492A>C, p.Lys2164Asn (NM_001354898.2); c.6483A>C, p.Lys2161Asn (NM_001354899.2); c.6444A>C, p.Lys2148Asn (NM_001354900.2); c.6390A>C, p.Lys2130Asn (NM_001354901.2, NM_001407453.1); and 12 more; short protein forms K1805N, K1906N, K2029N, K2060N, K2063N, K2088N, K2098N, K2106N.
Identifiers: ClinVar variation 1718304 (VCV001718304.7), dbSNP rs2149967740, ClinGen allele CA16035698.